The following is an entry in ClinVar:

NM_004438.5(EPHA4):c.1662G>A (p.Ser554=)

Gene: EPHA4 (EPH receptor A4; minus strand). Cytogenetic location: 2q36.1.
Variant type: single nucleotide variant.
Coding change: c.1662G>A on transcript NM_004438.5 (MANE Select); coding-DNA position 1662, G replaced by A.
Protein change: p.Ser554=; no amino-acid change (serine 554 retained).
Molecular consequence: synonymous variant.
Genome position (GRCh38, 1-based): chr2:221,455,600, C>T on the plus strand (G>A on the coding strand, the complement: EPHA4 is on the minus strand). VCF-style: chr2-221455600-C-T. GRCh37 (hg19) VCF-style: chr2-222320320-C-T.
Other names: c.1662G>A, p.Ser554= (NM_001304536.2, NM_001363748.2); c.1509G>A, p.Ser503= (NM_001304537.2).
Identifiers: ClinVar variation 4801385 (VCV004801385.1).
Genomic context (GRCh38, chr2:221,455,600, plus strand): 5'-TGCTTACCTCCGGCTGATGACAAAAGCTGCAATGAGAATTACCACCAGCACCACACTGCC[C>T]GAGACAGAGACCAGAAGGACTGTGGAGTTAGCCCCATCTCCAATGATCCGGGAAGGCACT-3'
Protein context (NP_004429.1, residues 544-564): ANSTVLLVSV[Ser554=]GSVVLVVILI

ClinVar aggregate classification (germline): Uncertain significance (1 of 4 stars; one submission).

gnomAD v4.1: 27 of 1,613,778 alleles (0.0017%); highest among the groups gnomAD compares: South Asian, 0.0099%; 1 homozygote.

Submission:

Labcorp Genetics (formerly Invitae), Labcorp
Classification: Uncertain significance. Last evaluated: 2025-03-16. Review status: criteria provided, single submitter. Criteria: Invitae Variant Classification Sherloc (09022015). Collection method: clinical testing. Allele origin: germline.
Comment: This sequence change affects codon 554 of the EPHA4 mRNA. It is a 'silent' change, meaning that it does not change the encoded amino acid sequence of the EPHA4 protein. This variant is present in population databases (rs749546730, gnomAD 0.01%). This variant has not been reported in the literature in individuals affected with EPHA4-related conditions. Algorithms developed to predict the effect of sequence changes on RNA splicing suggest that this variant may disrupt the consensus splice site. In summary, the available evidence is currently insufficient to determine the role of this variant in disease. Therefore, it has been classified as a Variant of Uncertain Significance.